The following is an entry in ClinVar:

ClinVar aggregate classification (germline): Uncertain significance. Review status: criteria provided, multiple submitters, no conflicts (2 of 4 stars). 4 submissions from 4 submitters: Uncertain significance (4). Last evaluated 2026-08-26.

Conditions:
MFN2-related disorder. Also called: MFN2-related disorders; MFN2-related condition.
Inborn genetic diseases. Identifiers: MedGen C0950123, MeSH D030342.
Charcot-Marie-Tooth disease type 2. Also called: Charcot-Marie-Tooth type 2. Identifiers: Orphanet 64746, MedGen C0270914, MONDO:0018993.

Allele frequency attached by ClinVar (database versions not stated): TOPMed 0.00002.
gnomAD v4.1: 5 of 1,614,130 alleles (0.00031%); highest among the groups gnomAD compares: African/African-American, 0.0013%; no homozygotes.

Submissions (4):

PreventionGenetics, part of Exact Sciences
Classification: Uncertain significance for MFN2-related condition. Last evaluated: 2026-08-26. Review status: criteria provided, single submitter. Criteria: ACMG Guidelines, 2015. Collection method: clinical testing. Allele origin: germline.
Comment: The MFN2 c.1759C>A variant is predicted to result in the amino acid substitution p.Pro587Thr. This variant has been reported in an individual with optic neuropathy (Supp. Table 1, Charif et al. 2021. PubMed ID: 33841295). This variant has not been reported in a large population database (gnomAD), indicating this variant is rare. At this time, the clinical significance of this variant is uncertain due to the absence of conclusive functional and genetic evidence.

Labcorp Genetics (formerly Invitae), Labcorp
Classification: Uncertain significance for Charcot-Marie-Tooth disease type 2. Last evaluated: 2025-02-25. Review status: criteria provided, single submitter. Criteria: Invitae Variant Classification Sherloc (09022015). Collection method: clinical testing. Allele origin: germline.
Comment: This sequence change replaces proline, which is neutral and non-polar, with threonine, which is neutral and polar, at codon 587 of the MFN2 protein (p.Pro587Thr). This variant is not present in population databases (gnomAD no frequency). This missense change has been observed in individual(s) with clinical features of MFN2-related conditions (PMID: 33841295). ClinVar contains an entry for this variant (Variation ID: 565483). Invitae Evidence Modeling of protein sequence and biophysical properties (such as structural, functional, and spatial information, amino acid conservation, physicochemical variation, residue mobility, and thermodynamic stability) has been performed for this missense variant. However, the output from this modeling did not meet the statistical confidence thresholds required to predict the impact of this variant on MFN2 protein function. In summary, the available evidence is currently insufficient to determine the role of this variant in disease. Therefore, it has been classified as a Variant of Uncertain Significance.

Blueprint Genetics
Classification: Uncertain significance. Last evaluated: 2021-11-30. Review status: criteria provided, single submitter. Criteria: ACMG Guidelines, 2015. Collection method: clinical testing. Allele origin: germline.

Ambry Genetics
Classification: Uncertain significance for Inborn genetic diseases. Last evaluated: 2020-03-04. Review status: criteria provided, single submitter. Criteria: Ambry Variant Classification Scheme 2023. Collection method: clinical testing. Allele origin: germline.
Comment: The p.P587T variant (also known as c.1759C>A), located in coding exon 14 of the MFN2 gene, results from a C to A substitution at nucleotide position 1759. The proline at codon 587 is replaced by threonine, an amino acid with highly similar properties. This amino acid position is highly conserved in available vertebrate species. In addition, this alteration is predicted to be deleterious by in silico analysis. Since supporting evidence is limited at this time, the clinical significance of this alteration remains unclear.

Literature cited by the submitters: PubMed 33841295 (cited by Labcorp Genetics (formerly Invitae), Labcorp).

NM_014874.4(MFN2):c.1759C>A (p.Pro587Thr)

Gene: MFN2 (mitofusin 2; plus strand). Cytogenetic location: 1p36.22.
Variant type: single nucleotide variant.
Coding change: c.1759C>A on transcript NM_014874.4 (MANE Select); coding-DNA position 1759, C replaced by A.
Protein change: p.Pro587Thr; replaces proline 587 with threonine.
Molecular consequence: missense variant.
Genome position (GRCh38, 1-based): chr1:12,006,580, C>A. VCF-style: chr1-12006580-C-A. GRCh37 (hg19) VCF-style: chr1-12066637-C-A.
Other names: c.1759C>A, p.Pro587Thr (NM_001127660.2); short protein forms P587T.
Identifiers: ClinVar variation 565483 (VCV000565483.14), dbSNP rs771675874, ClinGen allele CA338448524.
Genomic context (GRCh38, chr1:12,006,580, plus strand): 5'-TCATGTTTCTCTCCTCAGGTCCAGCGTCCCATCCCTCTGACGCCAGCCAACCCCAGCATG[C>A]CCCCACTGCCACAGGGCTCGCTCACCCAGGAGGAGTTCATGGTTTCCATGGTTACCGGCC-3'
Protein context (NP_055689.1, residues 577-597): IPLTPANPSM[Pro587Thr]PLPQGSLTQE